The following is an entry in ClinVar:

ClinVar aggregate classification (germline): Uncertain significance (1 of 4 stars; one submission).

Submission:

Women's Health and Genetics/Laboratory Corporation of America, LabCorp
Classification: Uncertain significance. Last evaluated: 2025-12-02. Review status: criteria provided, single submitter. Criteria: LabCorp Variant Classification Summary - May 2015. Collection method: clinical testing. Allele origin: germline.
Comment: Variant summary: ANKRD17 c.6385C>T (p.Pro2129Ser) results in a non-conservative amino acid change in the encoded protein sequence. Algorithms developed to predict the effect of missense changes on protein structure and function are either unavailable or do not agree on the potential impact of this missense change. The variant was absent in 251458 control chromosomes. The available data on variant occurrences in the general population are insufficient to allow any conclusion about variant significance. To our knowledge, no occurrence of c.6385C>T in individuals affected with ANKRD17-related conditions and no experimental evidence demonstrating its impact on protein function have been reported. No submitters have cited clinical-significance assessments for this variant to ClinVar. Based on the evidence outlined above, the variant was classified as uncertain significance.

NM_032217.5(ANKRD17):c.6385C>T (p.Pro2129Ser)

Gene: ANKRD17 (ankyrin repeat domain 17; minus strand). Cytogenetic location: 4q13.3.
Variant type: single nucleotide variant.
Coding change: c.6385C>T on transcript NM_032217.5 (MANE Select); coding-DNA position 6385, C replaced by T.
Protein change: p.Pro2129Ser; replaces proline 2129 with serine.
Molecular consequence: missense variant.
Genome position (GRCh38, 1-based): chr4:73,091,243, G>A on the plus strand (C>T on the coding strand, the complement: ANKRD17 is on the minus strand). VCF-style: chr4-73091243-G-A. GRCh37 (hg19) VCF-style: chr4-73956960-G-A.
Other names: c.6046C>T, p.Pro2016Ser (NM_001286771.3); c.6382C>T, p.Pro2128Ser (NM_015574.2); c.5632C>T, p.Pro1878Ser (NM_198889.3); short protein forms P1878S, P2016S, P2128S, P2129S.
Identifiers: ClinVar variation 4688639 (VCV004688639.1).